The following is an entry in ClinVar:

NM_015272.5(RPGRIP1L):c.2381T>C (p.Ile794Thr)

Gene: RPGRIP1L (RPGRIP1 like; minus strand). Cytogenetic location: 16q12.2.
Variant type: single nucleotide variant.
Coding change: c.2381T>C on transcript NM_015272.5 (MANE Select); coding-DNA position 2381, T replaced by C.
Protein change: p.Ile794Thr; replaces isoleucine 794 with threonine.
Molecular consequence: missense variant.
Genome position (GRCh38, 1-based): chr16:53,645,927, A>G on the plus strand (T>C on the coding strand, the complement: RPGRIP1L is on the minus strand). VCF-style: chr16-53645927-A-G. GRCh37 (hg19) VCF-style: chr16-53679839-A-G.
Other names: c.2381T>C, p.Ile794Thr (NM_001330538.2, NM_001127897.4, NM_001308334.3); c.2381T>C (NM_015272.4); short protein forms I794T.
Identifiers: ClinVar variation 1378359 (VCV001378359.4), dbSNP rs2151083626, ClinGen allele CA395914741.

ClinVar aggregate classification (germline): Uncertain significance. Review status: criteria provided, single submitter (1 of 4 stars). 2 submissions from 2 submitters: Uncertain significance (1). 1 of the submissions does not count toward it. Last evaluated 2022-08-09.

Conditions:
Joubert syndrome. Also called: CEREBELLOPARENCHYMAL DISORDER IV; JOUBERT-BOLTSHAUSER SYNDROME; Familial aplasia of the vermis. Identifiers: Orphanet 475, MedGen C5979921, MONDO:0018772.
Meckel-Gruber syndrome. Also called: DYSENCEPHALIA SPLANCHNOCYSTICA; GRUBER SYNDROME; Dysencephalia splachnocystica. Identifiers: Orphanet 564, MedGen C0265215, MONDO:0018921.

Submissions (2):

Labcorp Genetics (formerly Invitae), Labcorp
Classification: Uncertain significance for Joubert syndrome; Meckel-Gruber syndrome. Last evaluated: 2022-08-09. Review status: criteria provided, single submitter. Criteria: Invitae Variant Classification Sherloc (09022015). Collection method: clinical testing. Allele origin: germline.
Comment: This sequence change replaces isoleucine, which is neutral and non-polar, with threonine, which is neutral and polar, at codon 794 of the RPGRIP1L protein (p.Ile794Thr). This variant is not present in population databases (gnomAD no frequency). This variant has not been reported in the literature in individuals affected with RPGRIP1L-related conditions. ClinVar contains an entry for this variant (Variation ID: 1378359). Algorithms developed to predict the effect of missense changes on protein structure and function (SIFT, PolyPhen-2, Align-GVGD) all suggest that this variant is likely to be disruptive. In summary, the available evidence is currently insufficient to determine the role of this variant in disease. Therefore, it has been classified as a Variant of Uncertain Significance.

Natera, Inc.
Classification: Uncertain significance for Joubert syndrome. Last evaluated: 2025-03-02. Review status: no assertion criteria provided. Collection method: clinical testing. Allele origin: germline. Not counted in ClinVar's aggregate classification.